The following is an entry in ClinVar:

NM_001371904.1(APOA5):c.640G>C (p.Ala214Pro)

Gene: APOA5 (apolipoprotein A5; minus strand). Cytogenetic location: 11q23.3.
Variant type: single nucleotide variant.
Coding change: c.640G>C on transcript NM_001371904.1 (MANE Select); coding-DNA position 640, G replaced by C.
Protein change: p.Ala214Pro; replaces alanine 214 with proline.
Molecular consequence: missense variant.
Genome position (GRCh38, 1-based): chr11:116,790,589, C>G on the plus strand (G>C on the coding strand, the complement: APOA5 is on the minus strand). VCF-style: chr11-116790589-C-G. GRCh37 (hg19) VCF-style: chr11-116661305-C-G.
Other names: c.640G>C, p.Ala214Pro (NM_001166598.2, NM_052968.5); short protein forms A214P.
Identifiers: ClinVar variation 3931780 (VCV003931780.1).

ClinVar aggregate classification (germline): Uncertain significance (1 of 4 stars; one submission).

Conditions:
Cardiovascular phenotype. Identifiers: MedGen CN230736.

gnomAD v4.1: 1 of 1,601,564 alleles (0.000062%); highest among the groups gnomAD compares: Non-Finnish European, 0.000085%; no homozygotes.

Submission:

Ambry Genetics
Classification: Uncertain significance for Cardiovascular phenotype. Last evaluated: 2025-05-01. Review status: criteria provided, single submitter. Criteria: Ambry Variant Classification Scheme 2023. Collection method: clinical testing. Allele origin: germline.
Comment: The p.A214P variant (also known as c.640G>C), located in coding exon 3 of the APOA5 gene, results from a G to C substitution at nucleotide position 640. The alanine at codon 214 is replaced by proline, an amino acid with highly similar properties. This amino acid position is well conserved in available vertebrate species. In addition, the in silico prediction for this alteration is inconclusive. Based on the available evidence, the clinical significance of this variant remains unclear.